The following is an entry in ClinVar:

Conditions:
Breast-ovarian cancer, familial, susceptibility to, 1 (BROVCA1). Also called: BRCA1 Hereditary Breast and Ovarian Cancer; OVARIAN CANCER, SUSCEPTIBILITY TO. Identifiers: Orphanet 145, MedGen C2676676, MONDO:0011450, OMIM 604370. Disease mechanism: loss of function.

Submission:

Brotman Baty Institute, University of Washington
No classification provided (evidence only). Condition: Breast-ovarian cancer, familial 1. Review status: no classification provided. Collection method: in vitro. Allele origin: not applicable. Functional consequence: functionally_normal.
ClinVar note: "not provided" was previously submitted as the classification for the variant. However, the classification appeared to be based only on an observation of functional data so it was converted to no classification on 2025-07-30.

NM_007294.4(BRCA1):c.5171A>T (p.Lys1724Ile)

Gene: BRCA1 (BRCA1 DNA repair associated; minus strand). Cytogenetic location: 17q21.31.
Variant type: single nucleotide variant.
Coding change: c.5171A>T on transcript NM_007294.4 (MANE Select); coding-DNA position 5171, A replaced by T.
Protein change: p.Lys1724Ile; replaces lysine 1724 with isoleucine.
Molecular consequence: missense variant. On other transcripts: non-coding transcript variant (1).
Genome position (GRCh38, 1-based): chr17:43,063,355, T>A on the plus strand (A>T on the coding strand, the complement: BRCA1 is on the minus strand). VCF-style: chr17-43063355-T-A. GRCh37 (hg19) VCF-style: chr17-41215372-T-A.
Other names: c.4958A>T, p.Lys1653Ile (NM_001407571.1, NM_001407900.1, NM_001407902.1 and 12 more transcripts); c.5237A>T, p.Lys1746Ile (NM_001407581.1, NM_001407582.1); c.5234A>T, p.Lys1745Ile (NM_001407583.1, NM_001407585.1, NM_001407587.1 and 1 more transcripts); c.5231A>T, p.Lys1744Ile (NM_001407590.1, NM_001407591.1); c.5171A>T, p.Lys1724Ile (NM_001407593.1, NM_001407594.1, NM_001407596.1 and 7 more transcripts); c.5168A>T, p.Lys1723Ile (NM_001407610.1, NM_001407611.1, NM_001407612.1 and 17 more transcripts); c.5165A>T, p.Lys1722Ile (NM_001407629.1, NM_001407630.1, NM_001407631.1 and 14 more transcripts); c.5111A>T, p.Lys1704Ile (NM_001407649.1); and 72 more; short protein forms K1724I, K1745I, K1677I, K620I, K1427I, K1596I, K1611I, K1613I.
Identifiers: ClinVar variation 867763 (VCV000867763.3), dbSNP rs2051863566, ClinGen allele CA10591201.